The following is an entry in ClinVar:

NC_000011.9:g.(128628222_128638012)_(128651919_128675260)dup

Gene: FLI1 (Fli-1 proto-oncogene, ETS transcription factor; plus strand). Cytogenetic location: 11q24.3.
Variant type: Duplication.
Identifiers: ClinVar variation 2682295 (VCV002682295.1).

ClinVar aggregate classification (germline): Uncertain significance (1 of 4 stars; one submission).

Submission:

Women's Health and Genetics/Laboratory Corporation of America, LabCorp
Classification: Uncertain significance. Last evaluated: 2023-11-29. Review status: criteria provided, single submitter. Criteria: LabCorp Variant Classification Summary - May 2015. Collection method: clinical testing. Allele origin: germline.
Comment: Variant summary: The variant involves the duplication of exons 3-5 in the FLI1 gene. A presumed nomenclature of c.(230+1_231-1)_(655+1_656-1)dup has been designated for the purposes of this classification. It is assumed to be a tandem duplication in direct orientation (Richardson_GIM_2018, Newman_AJHG_2015). This Copy Number Variant (CNV) is expected to alter the reading frame and predicted to result in a truncation or absence of the encoded protein due to nonsense mediated decay (NMD). The variant was absent in 125,186 control chromosomes in the gnomAD Structural Variants dataset (v4). The available data on variant occurrences in the general population are insufficient to allow any conclusion about variant significance. To our knowledge, no occurrence of c.(230+1_231-1)_(655+1_656-1)dup in individuals affected with Bleeding Disorder, Platelet-Type, 21 (BDPLT21) and no experimental evidence demonstrating its impact on protein function have been reported. Truncation variants reported in patients affected with BDPLT21 (HGMD) are located in the last exon, and not expected to elicit NMD, therefore current evidence is not sufficient to establish whether loss-of-function variants in FLI1 cause a similar disease phenotype. On the other hand, a heterozygous (de novo) large deletion which includes the entire gene has been reported in at least one dividual affected with platelet disorder (PMID 33240318 through HGMD), which suggests that haploinsufficiency can be associated with disease. No submitters have cited clinical-significance assessments for this variant to ClinVar after 2014. Based on the evidence outlined above, the variant was classified as VUS-possibly pathogenic.